The following is an entry in ClinVar:

ClinVar aggregate classification (germline): Uncertain significance (1 of 4 stars; one submission).

Conditions:
Hereditary cancer-predisposing syndrome. Also called: Neoplastic Syndromes, Hereditary; Tumor predisposition; Hereditary Cancer Syndrome; Hereditary neoplastic syndrome. Identifiers: Orphanet 140162, MedGen C0027672, MeSH D009386, MONDO:0015356.

Submission:

Ambry Genetics
Classification: Uncertain significance for Hereditary cancer-predisposing syndrome. Last evaluated: 2026-03-28. Review status: criteria provided, single submitter. Criteria: Ambry Variant Classification Scheme 2023. Collection method: clinical testing. Allele origin: germline.
Comment: The p.S1286Y variant (also known as c.3857C>A), located in coding exon 19 of the MET gene, results from a C to A substitution at nucleotide position 3857. The serine at codon 1286 is replaced by tyrosine, an amino acid with dissimilar properties. This amino acid position is conserved. In addition, this alteration is predicted to be deleterious by in silico analysis. Based on the available evidence, the clinical significance of this variant remains unclear.

NM_000245.4(MET):c.3803C>A (p.Ser1268Tyr)

Gene: MET (MET proto-oncogene, receptor tyrosine kinase; plus strand). Cytogenetic location: 7q31.2.
Variant type: single nucleotide variant.
Coding change: c.3803C>A on transcript NM_000245.4 (MANE Select); coding-DNA position 3803, C replaced by A.
Protein change: p.Ser1268Tyr; replaces serine 1268 with tyrosine.
Molecular consequence: missense variant.
Genome position (GRCh38, 1-based): chr7:116,795,659, C>A. VCF-style: chr7-116795659-C-A. GRCh37 (hg19) VCF-style: chr7-116435713-C-A.
Other names: c.3857C>A, p.Ser1286Tyr (NM_001127500.3); c.2513C>A, p.Ser838Tyr (NM_001324402.2); short protein forms S1268Y, S1286Y, S838Y.
Identifiers: ClinVar variation 4859953 (VCV004859953.1).